The following is an entry in ClinVar:

ClinVar aggregate classification (germline): Pathogenic (1 of 4 stars; one submission).

Submission:

Labcorp Genetics (formerly Invitae), Labcorp
Classification: Pathogenic. Last evaluated: 2022-07-26. Review status: criteria provided, single submitter. Criteria: Invitae Variant Classification Sherloc (09022015). Collection method: clinical testing. Allele origin: germline.
Comment: This sequence change replaces aspartic acid, which is acidic and polar, with asparagine, which is neutral and polar, at codon 317 of the COMP protein (p.Asp317Asn). This variant is not present in population databases (gnomAD no frequency). This missense change has been observed in individual(s) with multiple epiphyseal dysplasia (PMID: 21965141; Invitae). In at least one individual the variant was observed to be de novo. ClinVar contains an entry for this variant (Variation ID: 1067975). Advanced modeling of protein sequence and biophysical properties (such as structural, functional, and spatial information, amino acid conservation, physicochemical variation, residue mobility, and thermodynamic stability) performed at Invitae indicates that this missense variant is expected to disrupt COMP protein function. For these reasons, this variant has been classified as Pathogenic.

Literature cited by the submitters: PubMed 21965141.

NM_000095.3(COMP):c.949G>A (p.Asp317Asn)

Gene: COMP (cartilage oligomeric matrix protein; minus strand). Cytogenetic location: 19p13.11.
Variant type: single nucleotide variant.
Coding change: c.949G>A on transcript NM_000095.3 (MANE Select); coding-DNA position 949, G replaced by A.
Protein change: p.Asp317Asn; replaces aspartic acid 317 with asparagine.
Molecular consequence: missense variant.
Genome position (GRCh38, 1-based): chr19:18,788,238, C>T on the plus strand (G>A on the coding strand, the complement: COMP is on the minus strand). VCF-style: chr19-18788238-C-T. GRCh37 (hg19) VCF-style: chr19-18899047-C-T.
Other names: short protein forms D317N.
Identifiers: ClinVar variation 1067975 (VCV001067975.9), dbSNP rs2145903160, ClinGen allele CA404891017.